The following is an entry in ClinVar:

NM_015443.4(KANSL1):c.889C>T (p.Arg297Cys)

Gene: KANSL1 (KAT8 regulatory NSL complex subunit 1). Cytogenetic location: 17q21.31.
Variant type: single nucleotide variant.
Coding change: c.889C>T on transcript NM_015443.4 (MANE Select); coding-DNA position 889, C replaced by T.
Protein change: p.Arg297Cys; replaces arginine 297 with cysteine.
Molecular consequence: missense variant.
Genome position (GRCh38, 1-based): chr17:46,171,255, G>A on the plus strand (C>T on the coding strand, the complement: KANSL1 is on the minus strand). VCF-style: chr17-46171255-G-A. GRCh37 (hg19) VCF-style: chr17-44248621-G-A.
Other names: c.889C>T, p.Arg297Cys (NM_001193465.2, NM_001193466.2, NM_001379198.1); short protein forms R297C.
Identifiers: ClinVar variation 517800 (VCV000517800.10), dbSNP rs772236084, ClinGen allele CA8618930.

ClinVar aggregate classification (germline): Conflicting classifications of pathogenicity. Review status: criteria provided, conflicting classifications (1 of 4 stars). 4 submissions from 4 submitters: Uncertain significance (2); Likely benign (2). Last evaluated 2024-01-19.

Conditions:
Inborn genetic diseases. Identifiers: MedGen C0950123, MeSH D030342.
Koolen-de Vries syndrome (KDVS). Identifiers: Orphanet 96169, MedGen C1864871, MONDO:0012496, OMIM 610443.

Allele frequency attached by ClinVar (database versions not stated): gnomAD exomes 0.00002 and 0.00005; ExAC 0.00003; TOPMed 0.00004.

Submissions (4):

Ambry Genetics
Classification: Likely benign for Inborn genetic diseases. Last evaluated: 2024-01-19. Review status: criteria provided, single submitter. Criteria: Ambry Variant Classification Scheme 2023. Collection method: clinical testing. Allele origin: germline.

Labcorp Genetics (formerly Invitae), Labcorp
Classification: Uncertain significance for Koolen-de Vries syndrome. Last evaluated: 2021-09-18. Review status: criteria provided, single submitter. Criteria: Invitae Variant Classification Sherloc (09022015). Collection method: clinical testing. Allele origin: germline.
Comment: Due to the possible presence of a polymorphic segmental duplication, the location of the variant could not be unambiguously resolved. Variants with ambiguous mapping are still reported relative to the KANSL1 transcript. This sequence change replaces arginine with cysteine at codon 297 of the KANSL1 protein (p.Arg297Cys). The arginine residue is highly conserved and there is a large physicochemical difference between arginine and cysteine. The frequency data for this variant in the population databases (ExAC) is considered unreliable due to the presence of homologous sequence, such as pseudogenes or paralogs, in the genome. This variant has not been reported in the literature in individuals with KANSL1-related conditions. ClinVar contains an entry for this variant (Variation ID: 517800). Algorithms developed to predict the effect of missense changes on protein structure and function (SIFT, PolyPhen-2, Align-GVGD) all suggest that this variant is likely to be disruptive. Until the location of this sequence change can be resolved, the clinical significance of this variant remains uncertain. It has been classified as a Variant of Uncertain Significance.

GeneDx
Classification: Likely benign. Last evaluated: 2018-09-18. Review status: criteria provided, single submitter. Criteria: GeneDx Variant Classification Process June 2021. Collection method: clinical testing. Allele origin: germline. Affected: yes.

Genomic Research Center, Shahid Beheshti University of Medical Sciences
Classification: Uncertain significance for Koolen-de Vries syndrome. Last evaluated: 2018-08-07. Review status: criteria provided, single submitter. Criteria: ACMG Guidelines, 2015. Collection method: clinical testing. Allele origin: unknown. Affected: yes. Observed: 1 variant allele.